The following is an entry in ClinVar:

ClinVar aggregate classification (germline): Likely benign. Review status: criteria provided, multiple submitters, no conflicts (2 of 4 stars). 2 submissions from 2 submitters: Likely benign (2). Last evaluated 2025-04-01.

Conditions:
LAMA2-related muscular dystrophy (LAMA2-RD). Also called: Laminin alpha 2-related dystrophy. Identifiers: MedGen C5679788, MONDO:0100228.

Allele frequency attached by ClinVar (database versions not stated): gnomAD exomes below 0.00001.
gnomAD v4.1: 1 of 1,613,652 alleles (0.000062%); highest among the groups gnomAD compares: Non-Finnish European, 0.000085%; no homozygotes.

Submissions (2):

CeGaT Center for Human Genetics Tuebingen
Classification: Likely benign. Last evaluated: 2025-04-01. Review status: criteria provided, single submitter. Criteria: CeGaT Center For Human Genetics Tuebingen Variant Classification Criteria Version 2. Collection method: clinical testing. Allele origin: germline. Affected: yes. Observed: 1 variant allele.
Comment: LAMA2: BP4, BP7

Labcorp Genetics (formerly Invitae), Labcorp
Classification: Likely benign for LAMA2-related muscular dystrophy. Last evaluated: 2022-07-17. Review status: criteria provided, single submitter. Criteria: Invitae Variant Classification Sherloc (09022015). Collection method: clinical testing. Allele origin: germline.

NM_000426.4(LAMA2):c.4851G>A (p.Gln1617=)

Gene: LAMA2 (laminin subunit alpha 2; plus strand). Cytogenetic location: 6q22.33.
Variant type: single nucleotide variant.
Coding change: c.4851G>A on transcript NM_000426.4 (MANE Select); coding-DNA position 4851, G replaced by A.
Protein change: p.Gln1617=; no amino-acid change (glutamine 1617 retained).
Molecular consequence: synonymous variant.
Genome position (GRCh38, 1-based): chr6:129,366,352, G>A. VCF-style: chr6-129366352-G-A. GRCh37 (hg19) VCF-style: chr6-129687497-G-A.
Other names: c.4851G>A, p.Gln1617= (NM_001079823.2).
Identifiers: ClinVar variation 2015904 (VCV002015904.11), dbSNP rs2114620183, ClinGen allele CA451930513.